The following is an entry in ClinVar:

NM_144997.7(FLCN):c.1533G>A (p.Trp511Ter)

Gene: FLCN (folliculin; minus strand). Cytogenetic location: 17p11.2.
Variant type: single nucleotide variant.
Coding change: c.1533G>A on transcript NM_144997.7 (MANE Select); coding-DNA position 1533, G replaced by A.
Protein change: p.Trp511Ter; replaces tryptophan 511 with a stop codon.
Molecular consequence: nonsense.
Genome position (GRCh38, 1-based): chr17:17,214,990, C>T on the plus strand (G>A on the coding strand, the complement: FLCN is on the minus strand). VCF-style: chr17-17214990-C-T. GRCh37 (hg19) VCF-style: chr17-17118304-C-T.
Other names: c.1533G>A, p.Trp511* (LRG_325t1); c.1587G>A, p.Trp529Ter (NM_001353229.2); c.1533G>A, p.Trp511Ter (NM_001353230.2, NM_001353231.2); short protein forms W511*, W529*.
Identifiers: ClinVar variation 96478 (VCV000096478.17), dbSNP rs398124530, ClinGen allele CA224159.
Genomic context (GRCh38, chr17:17,214,990, plus strand): 5'-TCCAGGTTTTCTCCAGGGTCGCAAGCAAAGGGGCCTCACCCACACTGTTGCTTACTTCAT[C>T]CACTCCTCCTTGAGGCAGACGAGGCACTGGTCCACCACATCCACAGACAGGTTCTGGTTG-3'

ClinVar aggregate classification (germline): Pathogenic/Likely pathogenic. Review status: criteria provided, multiple submitters, no conflicts (2 of 4 stars). 7 submissions from 7 submitters: Pathogenic (5); Likely pathogenic (1). 1 of the submissions does not count toward it. Last evaluated 2025-02-23.

Conditions:
Nonpapillary renal cell carcinoma. Identifiers: Orphanet 422526, MedGen CN074294, MONDO:0007763, OMIM 144700.
Birt-Hogg-Dube syndrome. Also called: Birt Hogg Dubé syndrome. Identifiers: Orphanet 122, MedGen C0346010, MONDO:0800444.
Familial spontaneous pneumothorax (PSP). Identifiers: Orphanet 2903, MedGen C1868193, MONDO:0008259, OMIM 173600.
17p11.2 microduplication syndrome (PTLS). Also called: CHROMOSOME 17p11.2 DUPLICATION SYNDROME; Potocki-Lupski syndrome; Duplication 17p11.2 syndrome; Potocki-Lupski syndrome (dup(17)(p11.2p11.2)). Identifiers: Orphanet 1713, MedGen C2931246, MONDO:0012574, OMIM 610883.
Colorectal cancer. Also called: Colorectal cancer, somatic; Malignant Colorectal Neoplasm. Identifiers: MedGen C0346629, MONDO:0005575, OMIM 114500.
Hereditary cancer-predisposing syndrome. Also called: Hereditary Cancer Syndrome; Neoplastic Syndromes, Hereditary; Hereditary neoplastic syndrome; Tumor predisposition. Identifiers: Orphanet 140162, MedGen C0027672, MeSH D009386, MONDO:0015356.

Submissions (7):

Molecular Diagnostics Laboratory, Catalan Institute of Oncology
Classification: Likely pathogenic for Hereditary cancer-predisposing syndrome. Last evaluated: 2025-02-23. Review status: criteria provided, single submitter. Criteria: ACMG Guidelines, 2015. Collection method: clinical testing. Allele origin: germline.
Comment: PVS1_Strong, PP4_Strong, PM2_Supporting c.1533G>A creates a premature translational stop signal, p.(Trp511*), in the exon 13 (of 14) of the FLCN gene resulting in protein truncation in a gene disease.According to MANE select, the encoded transcript has 579 aa, so this mutation is expected to cause the loss of 68 aa (affecting folliculin domain), which supossed 11,7% of the protein (PVS1_Strong). This variant is not present in population databases (gnomAD no frequency) (PM2_Supporting). The SpliceAI algorithm predicts no significant impact on splicing. This variant has been reported in the ClinVar (6x pathogenic) and in LOVD (1x pathogenic) databases. This variant has been identified in several families with individuals affected with Birt-Hogg-Dubé syndrome (PMID: 28558743, PMID: 31615547, PMID: 20413710 and internal data)(PP4_Strong). Based on currently available information, the variant c.1533G>A is classified as a likely pathogenic variant according to ACMG guidelines.

Fulgent Genetics
Classification: Pathogenic for Colorectal cancer; Birt-Hogg-Dube syndrome 1; Nonpapillary renal cell carcinoma; Familial spontaneous pneumothorax; 17p11.2 microduplication syndrome. Last evaluated: 2021-09-16. Review status: criteria provided, single submitter. Criteria: ACMG Guidelines, 2015. Collection method: clinical testing. Allele origin: unknown.

Ambry Genetics
Classification: Pathogenic for Hereditary cancer-predisposing syndrome. Last evaluated: 2021-06-11. Review status: criteria provided, single submitter. Criteria: Ambry Variant Classification Scheme 2023. Collection method: clinical testing. Allele origin: germline.
Comment: The p.W511* pathogenic mutation (also known as c.1533G>A), located in coding exon 10 of the FLCN gene, results from a G to A substitution at nucleotide position 1533. This changes the amino acid from a tryptophan to a stop codon within coding exon 10. This alteration occurs at the 3' terminus of theFLCN gene, is not expected to trigger nonsense-mediated mRNA decay, and only impacts the last 12%, 69 amino acids, of the protein. However, premature stop codons are typically deleterious in nature and the impacted region is critical for protein function (Ambry internal data). This alteration, as well as several other alterations predicted to result in C-terminal truncation, have been detected in multiple individuals who have a personal and/or family history that is consistent with FLCN-associated disease (Kunogi M et al. J Med Genet, 2010 Apr;47:281-7; Liu Y et al. Orphanet J Rare Dis, 2017 05;12:104; Liu K et al. Orphanet J Rare Dis, 2019 10;14:223; Ambry internal data). Based on the supporting evidence, this alteration is interpreted as a disease-causing mutation.

Labcorp Genetics (formerly Invitae), Labcorp
Classification: Pathogenic for Birt-Hogg-Dube syndrome. Last evaluated: 2020-11-19. Review status: criteria provided, single submitter. Criteria: Invitae Variant Classification Sherloc (09022015). Collection method: clinical testing. Allele origin: germline.
Comment: This variant is not present in population databases (ExAC no frequency). For these reasons, this variant has been classified as Pathogenic. FLCN protein has been shown to interact with FNIP1 and FNIP2 proteins which bind AMPK to influence mTOR signaling pathway (PMID: 26334087, 17028174, 18403135, 18663353). Experimental evidence expressing a series of C-terminal deletion mutants has localized the minimal interaction region to amino acid residues 517-579 (PMID: 17028174, 18403135), which is expected to be completely disrupted by this truncation. A different truncation downstream of this variant (p.Arg527*) has been determined to be pathogenic (PMID: 15852235, 17028174). This suggests that deletion of this region of the FLCN protein is causative of disease. This variant has been reported in an individual affected with Birt-Hogg-Dubé syndrome (BHDS) (PMID: 20413710). ClinVar contains an entry for this variant (Variation ID: 96478). This sequence change results in a premature translational stop signal in the FLCN gene (p.Trp511*). While this is not anticipated to result in nonsense mediated decay, it is expected to delete the last 69 amino acids of the FLCN protein.

Genomic Diagnostic Laboratory, Division of Genomic Diagnostics, Children's Hospital of Philadelphia
Classification: Pathogenic for Birt-Hogg-Dube Syndrome. Last evaluated: 2016-07-18. Review status: criteria provided, single submitter. Criteria: DGD Variant Analysis Guidelines. Collection method: clinical testing. Allele origin: germline. Affected: yes. Observed: 1 variant allele.
Comment: Clinical Testing

Eurofins Ntd Llc (ga)
Classification: Pathogenic. Last evaluated: 2013-10-21. Review status: criteria provided, single submitter. Criteria: EGL Classification Definitions 2015. Collection method: clinical testing. Allele origin: germline. Observed: 2 variant alleles, 2 heterozygotes.

Division of Respiratory Medicine of Juntendo University, Juntendo University Faculty of Medicine and Graduate School of Medicine
Classification: Pathogenic for Birt-Hogg-Dube syndrome 1. Last evaluated: 2023-07-01. Review status: no assertion criteria provided. Collection method: clinical testing. Allele origin: germline. Affected: yes. Not counted in ClinVar's aggregate classification.

Literature cited by the submitters: PubMed 20413710 (cited by 3 submitters); PubMed 28558743 (cited by Ambry Genetics); PubMed 31615547 (cited by Ambry Genetics); PubMed 26334087 (cited by Labcorp Genetics (formerly Invitae), Labcorp); PubMed 17028174 (cited by Labcorp Genetics (formerly Invitae), Labcorp); PubMed 18403135 (cited by Labcorp Genetics (formerly Invitae), Labcorp); PubMed 18663353 (cited by Labcorp Genetics (formerly Invitae), Labcorp); PubMed 15852235 (cited by Labcorp Genetics (formerly Invitae), Labcorp).